The following is an entry in ClinVar:

NM_000476.3(AK1):c.8-376C>T

Genes: AK1 (adenylate kinase 1; minus strand), ST6GALNAC4-ST6GALNAC6-AK1 (ST6GALNAC4-ST6GALNAC6-AK1 readthrough; minus strand). Cytogenetic location: 9q34.11.
Variant type: single nucleotide variant.
Coding change: c.8-376C>T on transcript NM_000476.3 (MANE Select); 376 bases into the intron before coding-DNA position 8, C replaced by T.
Molecular consequence: intron variant. On other transcripts: synonymous variant (1).
Genome position (GRCh38, 1-based): chr9:127,873,437, G>A on the plus strand (C>T on the coding strand, the complement: AK1 is on the minus strand). VCF-style: chr9-127873437-G-A. GRCh37 (hg19) VCF-style: chr9-130635716-G-A.
Other names: p.?; c.12C>T, p.Cys4= (NM_001318122.2); c.8-376C>T (NM_001318121.1, NM_000476.2).
Identifiers: ClinVar variation 1330779 (VCV001330779.14), dbSNP rs116301334, ClinGen allele CA5253526.

ClinVar aggregate classification (germline): Benign/Likely benign. Review status: criteria provided, multiple submitters, no conflicts (2 of 4 stars). 3 submissions from 3 submitters: Benign (2); Likely benign (1). Last evaluated 2025-02-18.

Conditions:
Hemolytic anemia due to adenylate kinase deficiency (CNSHA3). Also called: ANEMIA, CONGENITAL, NONSPHEROCYTIC HEMOLYTIC, 3. Identifiers: Orphanet 86817, MedGen C2675459, MONDO:0012967, OMIM 612631.

Allele frequency attached by ClinVar (database versions not stated): gnomAD exomes 0.00446 and 0.00234; ESP Exome Variant Server 0.00613; 1000 Genomes Project 0.00579; 1000 Genomes Project 30x 0.00609; gnomAD 0.00725 and 0.00679; TOPMed 0.00828; ExAC 0.00873.
gnomAD v4.1: 4,571 of 1,552,620 alleles (0.29%); highest among the groups gnomAD compares: African/African-American, 1.7%; 38 homozygotes.

Submissions (3):

ARUP Laboratories, Molecular Genetics and Genomics, ARUP Laboratories
Classification: Benign for Hemolytic anemia due to adenylate kinase deficiency. Last evaluated: 2025-02-18. Review status: criteria provided, single submitter. Criteria: ARUP Molecular Germline Variant Investigation Process 2024. Collection method: clinical testing. Allele origin: germline.

Mayo Clinic Laboratories, Mayo Clinic
Classification: Benign. Last evaluated: 2024-02-13. Review status: criteria provided, single submitter. Criteria: ACMG Guidelines, 2015. Collection method: clinical testing. Allele origin: germline. Observed: 12 variant alleles.
Comment: BS1, BP4, BP7

Breakthrough Genomics
Classification: Likely benign. Review status: criteria provided, single submitter. Criteria: ACMG Guidelines, 2015. Collection method: not provided. Allele origin: germline. Inheritance: Autosomal recessive inheritance. Affected: yes.